The following is an entry in ClinVar:

ClinVar aggregate classification (germline): Uncertain significance. Review status: criteria provided, multiple submitters, no conflicts (2 of 4 stars). 2 submissions from 2 submitters: Uncertain significance (2). Last evaluated 2025-01-23.

Allele frequency attached by ClinVar (database versions not stated): gnomAD 0.00001; gnomAD exomes 0.00001; TOPMed 0.00002; ExAC 0.00003.
gnomAD v4.1: 19 of 1,612,478 alleles (0.0012%); highest among the groups gnomAD compares: East Asian, 0.013%; no homozygotes.

Submissions (2):

Ambry Genetics
Classification: Uncertain significance. Last evaluated: 2025-01-23. Review status: criteria provided, single submitter. Criteria: Ambry Variant Classification Scheme 2023. Collection method: clinical testing. Allele origin: germline.

Labcorp Genetics (formerly Invitae), Labcorp
Classification: Uncertain significance. Last evaluated: 2023-12-11. Review status: criteria provided, single submitter. Criteria: Invitae Variant Classification Sherloc (09022015). Collection method: clinical testing. Allele origin: germline.
Comment: This sequence change replaces arginine, which is basic and polar, with cysteine, which is neutral and slightly polar, at codon 2267 of the FBN3 protein (p.Arg2267Cys). This variant is present in population databases (rs761811440, gnomAD 0.007%). This variant has not been reported in the literature in individuals affected with FBN3-related conditions. ClinVar contains an entry for this variant (Variation ID: 2192756). Advanced modeling of protein sequence and biophysical properties (such as structural, functional, and spatial information, amino acid conservation, physicochemical variation, residue mobility, and thermodynamic stability) performed at Invitae indicates that this missense variant is expected to disrupt FBN3 protein function with a positive predictive value of 80%. In summary, the available evidence is currently insufficient to determine the role of this variant in disease. Therefore, it has been classified as a Variant of Uncertain Significance.

NM_032447.5(FBN3):c.6799C>T (p.Arg2267Cys)

Gene: FBN3 (fibrillin 3; minus strand). Cytogenetic location: 19p13.2.
Variant type: single nucleotide variant.
Coding change: c.6799C>T on transcript NM_032447.5 (MANE Select); coding-DNA position 6799, C replaced by T.
Protein change: p.Arg2267Cys; replaces arginine 2267 with cysteine.
Molecular consequence: missense variant.
Genome position (GRCh38, 1-based): chr19:8,086,281, G>A on the plus strand (C>T on the coding strand, the complement: FBN3 is on the minus strand). VCF-style: chr19-8086281-G-A. GRCh37 (hg19) VCF-style: chr19-8151165-G-A.
Other names: c.6799C>T, p.Arg2267Cys (NM_001321431.2); c.6799C>T (NM_032447.3); short protein forms R2267C.
Identifiers: ClinVar variation 2192756 (VCV002192756.5), dbSNP rs761811440, ClinGen allele CA9151112.